The following is an entry in ClinVar:

NM_001267550.2(TTN):c.30598+15C>T

Gene: TTN (titin; minus strand). Cytogenetic location: 2q31.2.
Variant type: single nucleotide variant.
Coding change: c.30598+15C>T on transcript NM_001267550.2 (MANE Select); 15 bases into the intron after coding-DNA position 30598, C replaced by T.
Molecular consequence: intron variant.
Genome position (GRCh38, 1-based): chr2:178,701,513, G>A on the plus strand (C>T on the coding strand, the complement: TTN is on the minus strand). VCF-style: chr2-178701513-G-A. GRCh37 (hg19) VCF-style: chr2-179566240-G-A.
Other names: c.13282+36569C>T (NM_003319.4); c.13858+36569C>T (NM_133437.4); c.13657+36569C>T (NM_133432.3); c.26866+15C>T (NM_133378.4); c.29647+15C>T (NM_001256850.1).
Identifiers: ClinVar variation 166124 (VCV000166124.21), dbSNP rs79685525, ClinGen allele CA295543.
Genomic context (GRCh38, chr2:178,701,513, plus strand): 5'-TATAAAATTTCGTACAGATTCCTAGTGCTAGAATATTGCTGCTCCAAGCTCAGATGTTGA[G>A]GTTCTGGGTCTTACCTTCTGGTGGCACTGCTCTGATAGGCATGGTTGGGATTGGAACTCT-3'

ClinVar aggregate classification (germline): Benign/Likely benign. Review status: criteria provided, multiple submitters, no conflicts (2 of 4 stars). 11 submissions from 8 submitters: Benign (8); Likely benign (1). 2 of the submissions do not count toward it. Last evaluated 2026-02-03.

Conditions:
Dilated cardiomyopathy 1G (CMD1G). Identifiers: Orphanet 154, MedGen C1858763, MONDO:0011400, OMIM 604145.
Autosomal recessive limb-girdle muscular dystrophy type 2J (LGMDR10). Also called: MUSCULAR DYSTROPHY, LIMB-GIRDLE, AUTOSOMAL RECESSIVE 10; Limb-girdle muscular dystrophy, type 2J. Identifiers: Orphanet 140922, MedGen C1837342, MONDO:0012127, OMIM 608807.
Early-onset myopathy with fatal cardiomyopathy (CMYO5). Also called: CONGENITAL MYOPATHY 5 WITH CARDIOMYOPATHY; Salih Myopathy. Identifiers: Orphanet 289377, MedGen C2673677, MONDO:0012714, OMIM 611705. Disease mechanism: loss of function.
Myopathy, myofibrillar, 9, with early respiratory failure (MFM9). Also called: Hereditary myopathy with early respiratory failure; EDSTROM MYOPATHY; Myopathy, distal, with early respiratory failure, autosomal dominant; MYOPATHY, PROXIMAL, WITH EARLY RESPIRATORY MUSCLE INVOLVEMENT. Identifiers: Orphanet 178464, Orphanet 34521, MedGen C1863599, MONDO:0011362, OMIM 603689.
Tibial muscular dystrophy (TMD). Also called: Udd Distal Myopathy – Tibial Muscular Dystrophy; Tibial muscular dystrophy, tardive; UDD MYOPATHY. Identifiers: Orphanet 609, MedGen C1838244, MONDO:0010870, OMIM 600334.

Allele frequency attached by ClinVar (database versions not stated): 1000 Genomes Project 0.00319; ExAC 0.00057; TOPMed 0.00176; gnomAD 0.00152 and 0.00156; ESP Exome Variant Server 0.00211; gnomAD exomes 0.00047; 1000 Genomes Project 30x 0.00344.
gnomAD v4.1: 535 of 1,608,526 alleles (0.033%); highest among the groups gnomAD compares: African/African-American, 0.65%; 2 homozygotes.

Submissions (11):

Labcorp Genetics (formerly Invitae), Labcorp
Classification: Benign for Dilated cardiomyopathy 1G; Autosomal recessive limb-girdle muscular dystrophy type 2J. Last evaluated: 2026-02-03. Review status: criteria provided, single submitter. Criteria: Invitae Variant Classification Sherloc (09022015). Collection method: clinical testing. Allele origin: germline.

Blueprint Genetics
Classification: Likely benign. Last evaluated: 2024-08-26. Review status: criteria provided, single submitter. Criteria: ACMG Guidelines, 2015. Collection method: clinical testing. Allele origin: germline.

Genome-Nilou Lab
Classification: Benign for Autosomal recessive limb-girdle muscular dystrophy type 2J. Last evaluated: 2021-09-10. Review status: criteria provided, single submitter. Criteria: ACMG Guidelines, 2015. Collection method: clinical testing. Allele origin: germline. Affected: no.

Genome-Nilou Lab
Classification: Benign for Myopathy, myofibrillar, 9, with early respiratory failure. Last evaluated: 2021-09-10. Review status: criteria provided, single submitter. Criteria: ACMG Guidelines, 2015. Collection method: clinical testing. Allele origin: germline. Affected: no.

Genome-Nilou Lab
Classification: Benign for Early-onset myopathy with fatal cardiomyopathy. Last evaluated: 2021-09-10. Review status: criteria provided, single submitter. Criteria: ACMG Guidelines, 2015. Collection method: clinical testing. Allele origin: germline. Affected: no.

Genome-Nilou Lab
Classification: Benign for Tibial muscular dystrophy. Last evaluated: 2021-09-10. Review status: criteria provided, single submitter. Criteria: ACMG Guidelines, 2015. Collection method: clinical testing. Allele origin: germline. Affected: no.

Women's Health and Genetics/Laboratory Corporation of America, LabCorp
Classification: Benign. Last evaluated: 2021-01-28. Review status: criteria provided, single submitter. Criteria: LabCorp Variant Classification Summary - May 2015. Collection method: clinical testing. Allele origin: germline.
Comment: Variant summary: TTN c.26866+15C>T alters a non-conserved nucleotide located close to a canonical splice site and therefore could affect mRNA splicing, leading to a significantly altered protein sequence. 4/4 computational tools predict no significant impact on normal splicing. However, these predictions have yet to be confirmed by functional studies. The variant allele was found at a frequency of 0.00047 in 244436 control chromosomes, predominantly at a frequency of 0.0066 within the African or African-American subpopulation in the gnomAD database, including 1 homozygote. The observed variant frequency within African or African-American control individuals in the gnomAD database is approximately 17 fold of the estimated maximal expected allele frequency for a pathogenic variant in TTN causing Dilated Cardiomyopathy phenotype (0.00039), strongly suggesting that the variant is a benign polymorphism found primarily in populations of African or African-American origin. To our knowledge, no occurrence of c.26866+15C>T in individuals affected with Dilated Cardiomyopathy and no experimental evidence demonstrating its impact on protein function have been reported. No clinical diagnostic laboratories have submitted clinical-significance assessments for this variant to ClinVar after 2014. Based on the evidence outlined above, the variant was classified as benign.

GeneDx
Classification: Benign. Last evaluated: 2014-11-03. Review status: criteria provided, single submitter. Criteria: GeneDx Variant Classification (06012015). Collection method: clinical testing. Allele origin: germline. Affected: yes.
Comment: This variant is considered likely benign or benign based on one or more of the following criteria: it is a conservative change, it occurs at a poorly conserved position in the protein, it is predicted to be benign by multiple in silico algorithms, and/or has population frequency not consistent with disease.

Laboratory for Molecular Medicine, Mass General Brigham Personalized Medicine
Classification: Benign. Last evaluated: 2012-03-19. Review status: criteria provided, single submitter. Criteria: LMM Criteria. Collection method: clinical testing. Allele origin: germline. Observed: 3 variant alleles.
Comment: c.26866+15C>T in Intron 107 of TTN: This variant is not expected to have clinica l significance because it is not located within the splice consensus sequence an d has been identified in 0.7% (22/3270) of African American chromosomes from a b road population by the NHLBI Exome Sequencing Project (. edu/EVS; dbSNP rs79685525).

Clinical Genetics DNA and cytogenetics Diagnostics Lab, Erasmus MC, Erasmus Medical Center
Classification: Likely benign. Review status: no assertion criteria provided. Collection method: clinical testing. Allele origin: germline. Affected: yes. Study: VKGL Data-share Consensus. Not counted in ClinVar's aggregate classification.

Clinical Genetics, Academic Medical Center
Classification: Benign. Review status: no assertion criteria provided. Collection method: clinical testing. Allele origin: germline. Affected: yes. Study: VKGL Data-share Consensus. Not counted in ClinVar's aggregate classification.